The following is an entry in ClinVar:

ClinVar aggregate classification (germline): Likely benign. Review status: criteria provided, multiple submitters, no conflicts (2 of 4 stars). 7 submissions from 7 submitters: Likely benign (7). Last evaluated 2026-03-01.

Conditions:
Inborn genetic diseases. Identifiers: MedGen C0950123, MeSH D030342.
Intellectual disability. Also called: Intellectual developmental disorder; Intellectual functioning disability; intellectual disabilities. Identifiers: MedGen C3714756, MeSH D008607, MONDO:0001071, HP:0001249.
KBG syndrome (KBGS). Also called: ANKRD11-Related KBG Syndrome. Identifiers: Orphanet 2332, MedGen C0220687, MONDO:0007846, OMIM 148050.

Allele frequency attached by ClinVar (database versions not stated): TOPMed 0.00018; ESP Exome Variant Server 0.00032.
gnomAD v4.1: 604 of 1,612,066 alleles (0.037%); highest among the groups gnomAD compares: Non-Finnish European, 0.049%; no homozygotes.

Submissions (7):

CeGaT Center for Human Genetics Tuebingen
Classification: Likely benign. Last evaluated: 2026-03-01. Review status: criteria provided, single submitter. Criteria: CeGaT Center For Human Genetics Tuebingen Variant Classification Criteria Version 2. Collection method: clinical testing. Allele origin: germline. Affected: yes. Observed: 6 variant alleles.
Comment: ANKRD11: BS2

Labcorp Genetics (formerly Invitae), Labcorp
Classification: Likely benign for KBG syndrome. Last evaluated: 2025-08-03. Review status: criteria provided, single submitter. Criteria: Invitae Variant Classification Sherloc (09022015). Collection method: clinical testing. Allele origin: germline.

GeneDx
Classification: Likely benign. Last evaluated: 2025-03-11. Review status: criteria provided, single submitter. Criteria: GeneDx Variant Classification Process June 2021. Collection method: clinical testing. Allele origin: germline. Affected: yes.
Comment: See Variant Classification Assertion Criteria.

Blueprint Genetics
Classification: Likely benign. Last evaluated: 2024-05-10. Review status: criteria provided, single submitter. Criteria: ACMG Guidelines, 2015. Collection method: clinical testing. Allele origin: germline.

Ambry Genetics
Classification: Likely benign for Inborn genetic diseases. Last evaluated: 2022-08-02. Review status: criteria provided, single submitter. Criteria: Ambry Variant Classification Scheme 2023. Collection method: clinical testing. Allele origin: germline.

Cambridge Genomics Laboratory, East Genomic Laboratory Hub, NHS Genomic Medicine Service
Classification: Likely benign for Intellectual disability. Last evaluated: 2020-05-13. Review status: criteria provided, single submitter. Criteria: ACGS Best Practice Guidelines for Variant Classification in Rare Disease 2020. Collection method: clinical testing. Allele origin: germline. Affected: yes. Observed: 1 variant allele.

Athena Diagnostics
Classification: Likely benign. Last evaluated: 2018-11-01. Review status: criteria provided, single submitter. Criteria: Athena Diagnostics Criteria. Collection method: clinical testing. Allele origin: germline.

NM_013275.6(ANKRD11):c.5773C>A (p.Pro1925Thr)

Gene: ANKRD11 (ankyrin repeat domain 11; minus strand). Cytogenetic location: 16q24.3.
Variant type: single nucleotide variant.
Coding change: c.5773C>A on transcript NM_013275.6 (MANE Select); coding-DNA position 5773, C replaced by A.
Protein change: p.Pro1925Thr; replaces proline 1925 with threonine.
Molecular consequence: missense variant.
Genome position (GRCh38, 1-based): chr16:89,280,769, G>T on the plus strand (C>A on the coding strand, the complement: ANKRD11 is on the minus strand). VCF-style: chr16-89280769-G-T. GRCh37 (hg19) VCF-style: chr16-89347177-G-T.
Other names: c.5773C>A, p.Pro1925Thr (NM_001256182.2, NM_001256183.2); short protein forms P1925T.
Identifiers: ClinVar variation 804531 (VCV000804531.58), dbSNP rs199914958, ClinGen allele CA8241724.